The following is an entry in ClinVar:

NM_152383.5(DIS3L2):c.1022G>T (p.Gly341Val)

Gene: DIS3L2 (DIS3 like 3'-5' exoribonuclease 2; plus strand). Cytogenetic location: 2q37.1.
Variant type: single nucleotide variant.
Coding change: c.1022G>T on transcript NM_152383.5 (MANE Select); coding-DNA position 1022, G replaced by T.
Protein change: p.Gly341Val; replaces glycine 341 with valine.
Molecular consequence: missense variant. On other transcripts: non-coding transcript variant (2).
Genome position (GRCh38, 1-based): chr2:232,163,530, G>T. VCF-style: chr2-232163530-G-T. GRCh37 (hg19) VCF-style: chr2-233028240-G-T.
Other names: c.1022G>T, p.Gly341Val (NM_001257281.2); short protein forms G341V.
Identifiers: ClinVar variation 2806028 (VCV002806028.3), dbSNP rs781451057, ClinGen allele CA351154310.

ClinVar aggregate classification (germline): Uncertain significance (1 of 4 stars; one submission).

Conditions:
Perlman syndrome (PRLMNS). Identifiers: Orphanet 2849, MedGen C0796113, MONDO:0009965, OMIM 267000.

Allele frequency attached by ClinVar (database versions not stated): TOPMed 0.00002.

Submission:

Labcorp Genetics (formerly Invitae), Labcorp
Classification: Uncertain significance for Perlman syndrome. Last evaluated: 2023-05-30. Review status: criteria provided, single submitter. Criteria: Invitae Variant Classification Sherloc (09022015). Collection method: clinical testing. Allele origin: germline.
Comment: In summary, the available evidence is currently insufficient to determine the role of this variant in disease. Therefore, it has been classified as a Variant of Uncertain Significance. Advanced modeling of protein sequence and biophysical properties (such as structural, functional, and spatial information, amino acid conservation, physicochemical variation, residue mobility, and thermodynamic stability) performed at Invitae indicates that this missense variant is not expected to disrupt DIS3L2 protein function. This variant has not been reported in the literature in individuals affected with DIS3L2-related conditions. This variant is not present in population databases (gnomAD no frequency). This sequence change replaces glycine, which is neutral and non-polar, with valine, which is neutral and non-polar, at codon 341 of the DIS3L2 protein (p.Gly341Val).